The following is an entry in ClinVar:

NM_000458.4(HNF1B):c.207_211del (p.His69fs)

Gene: HNF1B (HNF1 homeobox B; minus strand). Cytogenetic location: 17q12.
Variant type: Deletion.
Coding change: c.207_211del on transcript NM_000458.4 (MANE Select); coding-DNA positions 207 to 211, 5 bases deleted (CGCCA; older notation c.207_211delCGCCA).
Protein change: p.His69fs; shifts the reading frame from histidine 69.
Molecular consequence: frameshift variant.
Genome position (GRCh38, 1-based): chr17:37,744,674-37,744,678, TGGCG deleted on the plus strand (CGCCA on the coding strand, the reverse complement: HNF1B is on the minus strand); deleting any 5 consecutive bases within chr17:37,744,674-37,744,682 gives the same sequence; the c. name uses the placement nearest the transcript's 3' end. VCF-style (leftmost placement, unchanged base first): chr17-37744673-TTGGCG-T. GRCh37 (hg19) VCF-style: chr17-36104664-TTGGCG-T.
Other names: c.207_211del, p.His69fs (NM_001165923.4, NM_001304286.2); short protein forms H69fs.
Identifiers: ClinVar variation 635726 (VCV000635726.1), dbSNP rs2511851289, ClinGen allele CA913190804.

ClinVar aggregate classification (germline): Pathogenic (1 of 4 stars; one submission).

Conditions:
Renal cysts and diabetes syndrome (RCAD). Also called: Familial hypoplastic, glomerulocystic kidney; MATURITY-ONSET DIABETES OF THE YOUNG, TYPE 5. Identifiers: Orphanet 93111, MedGen C0431693, MONDO:0007669, OMIM 137920.

Submission:

Institute of Human Genetics, FAU Erlangen, Friedrich-Alexander-Universität Erlangen-Nürnberg
Classification: Pathogenic for Renal cysts and diabetes syndrome. Last evaluated: 2019-07-06. Review status: criteria provided, single submitter. Criteria: ACMG Guidelines, 2015. Collection method: literature only. Allele origin: germline. Affected: yes.
Comment: This variant and it's classification has been reported by Vasileiou et al. 2019; DOI:10.1101/576918. The variants has previously been reported in PMID:24041679; DOI:10.1093/ckj/sfy102 as "c.207_211del p.His69Glnfs*17; c.207 211delCGCCA; p.His69fs " with clinical significance Pathogenic. It has been re-classified using InterVar and manual curation as Pathogenic based on PVS1 PM2 PP3.

Literature cited by the submitters: PubMed 24041679; DOI 10.1093/ckj/sfy102; DOI 10.1101/576918.